The following is an entry in ClinVar:

NM_001080779.2(MYO1C):c.123C>T (p.Thr41=)

Gene: MYO1C (myosin IC; minus strand). Cytogenetic location: 17p13.3.
Variant type: single nucleotide variant.
Coding change: c.123C>T on transcript NM_001080779.2 (MANE Select); coding-DNA position 123, C replaced by T.
Protein change: p.Thr41=; no amino-acid change (threonine 41 retained).
Molecular consequence: synonymous variant.
Genome position (GRCh38, 1-based): chr17:1,484,256, G>A on the plus strand (C>T on the coding strand, the complement: MYO1C is on the minus strand). VCF-style: chr17-1484256-G-A. GRCh37 (hg19) VCF-style: chr17-1387550-G-A.
Other names: c.66C>T, p.Thr22= (NM_001080950.2); c.51C>T, p.Thr17= (NM_001363855.1); c.18C>T, p.Thr6= (NM_033375.5).
Identifiers: ClinVar variation 3057534 (VCV003057534.2), dbSNP rs368938944, ClinGen allele CA8268193.

ClinVar aggregate classification (germline): Likely benign (0 of 4 stars; one submission).

Conditions:
MYO1C-related disorder. Also called: MYO1C-related condition.

Allele frequency attached by ClinVar (database versions not stated): gnomAD 0.00005; ExAC 0.00006; TOPMed 0.00006; gnomAD exomes 0.00012; ESP Exome Variant Server 0.00015.
gnomAD v4.1: 171 of 1,612,196 alleles (0.011%); highest among the groups gnomAD compares: Non-Finnish European, 0.013%; 1 homozygote.

Submission:

PreventionGenetics, part of Exact Sciences
Classification: Likely benign for MYO1C-related condition. Last evaluated: 2019-04-04. Review status: no assertion criteria provided. Collection method: clinical testing. Allele origin: germline.
Comment: This variant is classified as likely benign based on ACMG/AMP sequence variant interpretation guidelines (Richards et al. 2015 PMID: 25741868, with internal and published modifications).